The following is an entry in ClinVar:

ClinVar aggregate classification (germline): Benign/Likely benign. Review status: criteria provided, multiple submitters, no conflicts (2 of 4 stars). 4 submissions from 4 submitters: Benign (1); Likely benign (3). Last evaluated 2025-11-17.

Conditions:
Intellectual developmental disorder, X-linked 1. Also called: MENTAL RETARDATION, X-LINKED 18; MENTAL RETARDATION, X-LINKED 78; Intellectual disability, X-linked 1; Atkin Flaitz Patil Smith syndrome. Identifiers: Orphanet 777, MedGen C2931498, MONDO:0010656, OMIM 309530.

Allele frequency attached by ClinVar (database versions not stated): gnomAD 0.00012 and 0.00013; gnomAD exomes 0.00010 and 0.00015; TOPMed 0.00012; ExAC 0.00016.
gnomAD v4.1: 127 of 1,209,475 alleles (0.011%); highest among the groups gnomAD compares: Middle Eastern, 0.023%; no homozygotes.

Submissions (4):

Labcorp Genetics (formerly Invitae), Labcorp
Classification: Benign for Intellectual developmental disorder, X-linked 1. Last evaluated: 2025-11-17. Review status: criteria provided, single submitter. Criteria: Invitae Variant Classification Sherloc (09022015). Collection method: clinical testing. Allele origin: germline.

CeGaT Center for Human Genetics Tuebingen
Classification: Likely benign. Last evaluated: 2024-12-01. Review status: criteria provided, single submitter. Criteria: CeGaT Center For Human Genetics Tuebingen Variant Classification Criteria Version 2. Collection method: clinical testing. Allele origin: germline. Affected: yes. Observed: 1 variant allele.
Comment: IQSEC2: BP4, BP7, BS2

Blueprint Genetics
Classification: Likely benign. Last evaluated: 2024-03-21. Review status: criteria provided, single submitter. Criteria: ACMG Guidelines, 2015. Collection method: clinical testing. Allele origin: germline.

GeneDx
Classification: Likely benign. Last evaluated: 2021-03-12. Review status: criteria provided, single submitter. Criteria: GeneDx Variant Classification Process June 2021. Collection method: clinical testing. Allele origin: germline. Affected: yes.

NM_001111125.3(IQSEC2):c.2952A>C (p.Pro984=)

Gene: IQSEC2 (IQ motif and Sec7 domain ArfGEF 2; minus strand). Cytogenetic location: Xp11.22.
Variant type: single nucleotide variant.
Coding change: c.2952A>C on transcript NM_001111125.3 (MANE Select); coding-DNA position 2952, A replaced by C.
Protein change: p.Pro984=; no amino-acid change (proline 984 retained).
Molecular consequence: synonymous variant.
Genome position (GRCh38, 1-based): chrX:53,241,847, T>G on the plus strand (A>C on the coding strand, the complement: IQSEC2 is on the minus strand). VCF-style: chrX-53241847-T-G. GRCh37 (hg19) VCF-style: chrX-53271029-T-G.
Other names: c.2337A>C, p.Pro779= (NM_015075.2).
Identifiers: ClinVar variation 509522 (VCV000509522.35), dbSNP rs782760727, ClinGen allele CA10419871.